The following is an entry in ClinVar:

ClinVar aggregate classification (germline): Uncertain significance (1 of 4 stars; one submission).

Conditions:
Inborn genetic diseases. Identifiers: MedGen C0950123, MeSH D030342.

Submission:

Ambry Genetics
Classification: Uncertain significance for Inborn genetic diseases. Last evaluated: 2025-10-29. Review status: criteria provided, single submitter. Criteria: Ambry Variant Classification Scheme 2023. Collection method: clinical testing. Allele origin: germline.
Comment: The c.495C>G (p.N165K) alteration is located in exon 4 (coding exon 4) of the TUBB2A gene. This alteration results from a C to G substitution at nucleotide position 495, causing the asparagine (N) at amino acid position 165 to be replaced by a lysine (K). This variant was not reported in population-based cohorts in the Genome Aggregation Database (gnomAD). This amino acid position is highly conserved in available vertebrate species. This missense alteration is located in a region that has a low rate of benign missense variation (Lek, 2016; Firth, 2009). This alteration is predicted to be tolerated by in silico analysis. Based on insufficient or conflicting evidence, the clinical significance of this alteration remains unclear.

NM_001069.3(TUBB2A):c.495C>G (p.Asn165Lys)

Gene: TUBB2A (tubulin beta 2A class IIa; minus strand). Cytogenetic location: 6p25.2.
Variant type: single nucleotide variant.
Coding change: c.495C>G on transcript NM_001069.3 (MANE Select); coding-DNA position 495, C replaced by G.
Protein change: p.Asn165Lys; replaces asparagine 165 with lysine.
Molecular consequence: missense variant.
Genome position (GRCh38, 1-based): chr6:3,154,706, G>C on the plus strand (C>G on the coding strand, the complement: TUBB2A is on the minus strand). VCF-style: chr6-3154706-G-C. GRCh37 (hg19) VCF-style: chr6-3154940-G-C.
Other names: c.240C>G, p.Asn80Lys (NM_001310315.2); short protein forms N165K, N80K.
Identifiers: ClinVar variation 4633929 (VCV004633929.1).